The following is an entry in ClinVar:

ClinVar aggregate classification (germline): Conflicting classifications of pathogenicity. Review status: criteria provided, conflicting classifications (1 of 4 stars). 2 submissions from 2 submitters: Likely pathogenic (1); Uncertain significance (1). Last evaluated 2023-01-20.

Conditions:
Hypohidrotic X-linked ectodermal dysplasia (XHED). Also called: ECTODERMAL DYSPLASIA 1; ECTODERMAL DYSPLASIA, HYPOHIDROTIC, 1; CST SYNDROME; Christ-Siemans-Touraine syndrome; Anhidrotic ectodermal dysplasia X-linked; Christ Siemens Touraine syndrome. Identifiers: Orphanet 181, Orphanet 238468, MedGen C0162359, MONDO:0010585, OMIM 305100.

Submissions (2):

Blueprint Genetics
Classification: Uncertain significance. Last evaluated: 2023-01-20. Review status: criteria provided, single submitter. Criteria: ACMG Guidelines, 2015. Collection method: clinical testing. Allele origin: germline.

Labcorp Genetics (formerly Invitae), Labcorp
Classification: Likely pathogenic for Hypohidrotic X-linked ectodermal dysplasia. Last evaluated: 2022-10-23. Review status: criteria provided, single submitter. Criteria: Invitae Variant Classification Sherloc (09022015). Collection method: clinical testing. Allele origin: germline.
Comment: Advanced modeling of protein sequence and biophysical properties (such as structural, functional, and spatial information, amino acid conservation, physicochemical variation, residue mobility, and thermodynamic stability) performed at Invitae indicates that this missense variant is expected to disrupt EDA protein function. This missense change has been observed in individual(s) with clinical features of EDA-related conditions (Invitae). This variant is not present in population databases (gnomAD no frequency). This sequence change replaces glycine, which is neutral and non-polar, with glutamic acid, which is acidic and polar, at codon 215 of the EDA protein (p.Gly215Glu). In summary, the currently available evidence indicates that the variant is pathogenic, but additional data are needed to prove that conclusively. Therefore, this variant has been classified as Likely Pathogenic.

NM_001399.5(EDA):c.644G>A (p.Gly215Glu)

Gene: EDA (ectodysplasin A; plus strand). Cytogenetic location: Xq13.1.
Variant type: single nucleotide variant.
Coding change: c.644G>A on transcript NM_001399.5 (MANE Select); coding-DNA position 644, G replaced by A.
Protein change: p.Gly215Glu; replaces glycine 215 with glutamic acid.
Molecular consequence: missense variant.
Genome position (GRCh38, 1-based): chrX:70,027,974, G>A. VCF-style: chrX-70027974-G-A. GRCh37 (hg19) VCF-style: chrX-69247824-G-A.
Other names: c.644G>A, p.Gly215Glu (NM_001005609.2, NM_001005612.3); short protein forms G215E.
Identifiers: ClinVar variation 2809457 (VCV002809457.4), dbSNP rs2520335121, ClinGen allele CA413448415.